The following is an entry in ClinVar:

NM_000051.4(ATM):c.398A>G (p.Asn133Ser)

Gene: ATM (ATM serine/threonine kinase; plus strand). Cytogenetic location: 11q22.3.
Variant type: single nucleotide variant.
Coding change: c.398A>G on transcript NM_000051.4 (MANE Select); coding-DNA position 398, A replaced by G.
Protein change: p.Asn133Ser; replaces asparagine 133 with serine.
Molecular consequence: missense variant.
Genome position (GRCh38, 1-based): chr11:108,235,736, A>G. VCF-style: chr11-108235736-A-G. GRCh37 (hg19) VCF-style: chr11-108106463-A-G.
Other names: c.398A>G, p.Asn133Ser (NM_001351834.2); short protein forms N133S.
Identifiers: ClinVar variation 478939 (VCV000478939.13), dbSNP rs730881330, ClinGen allele CA382524935.

ClinVar aggregate classification (germline): Conflicting classifications of pathogenicity. Review status: criteria provided, conflicting classifications (1 of 4 stars). 3 submissions from 3 submitters: Uncertain significance (2); Likely benign (1). Last evaluated 2023-06-26.

Conditions:
Hereditary cancer-predisposing syndrome. Also called: Tumor predisposition; Neoplastic Syndromes, Hereditary; Hereditary Cancer Syndrome; Hereditary neoplastic syndrome. Identifiers: Orphanet 140162, MedGen C0027672, MeSH D009386, MONDO:0015356.
Ataxia-telangiectasia syndrome (AT). Also called: Cerebello-oculocutaneous telangiectasia; Immunodeficiency with ataxia telangiectasia; ATAXIA-TELANGIECTASIA, COMPLEMENTATION GROUP A; Ataxia-telangiectasia, complementation group D; AT, COMPLEMENTATION GROUP C; ATAXIA-TELANGIECTASIA, FRESNO VARIANT. Identifiers: Orphanet 100, MedGen C0004135, MONDO:0008840, OMIM 208900.

Submissions (3):

GeneDx
Classification: Uncertain significance. Last evaluated: 2023-06-26. Review status: criteria provided, single submitter. Criteria: GeneDx Variant Classification Process June 2021. Collection method: clinical testing. Allele origin: germline. Affected: yes.
Comment: Not observed at significant frequency in large population cohorts (gnomAD); In silico analysis supports that this missense variant does not alter protein structure/function; Has not been previously published as pathogenic or benign to our knowledge

Labcorp Genetics (formerly Invitae), Labcorp
Classification: Uncertain significance for Ataxia-telangiectasia syndrome. Last evaluated: 2022-08-18. Review status: criteria provided, single submitter. Criteria: Invitae Variant Classification Sherloc (09022015). Collection method: clinical testing. Allele origin: germline.
Comment: In summary, the available evidence is currently insufficient to determine the role of this variant in disease. Therefore, it has been classified as a Variant of Uncertain Significance. Advanced modeling of protein sequence and biophysical properties (such as structural, functional, and spatial information, amino acid conservation, physicochemical variation, residue mobility, and thermodynamic stability) performed at Invitae indicates that this missense variant is not expected to disrupt ATM protein function. ClinVar contains an entry for this variant (Variation ID: 478939). This variant has not been reported in the literature in individuals affected with ATM-related conditions. This variant is present in population databases (no rsID available, gnomAD 0.006%). This sequence change replaces asparagine, which is neutral and polar, with serine, which is neutral and polar, at codon 133 of the ATM protein (p.Asn133Ser).

Ambry Genetics
Classification: Likely benign for Hereditary cancer-predisposing syndrome. Last evaluated: 2019-03-17. Review status: criteria provided, single submitter. Criteria: Ambry Variant Classification Scheme 2023. Collection method: clinical testing. Allele origin: germline.